The following is an entry in ClinVar:

NM_012448.4(STAT5B):c.2065G>A (p.Glu689Lys)

Gene: STAT5B (signal transducer and activator of transcription 5B; minus strand). Cytogenetic location: 17q21.2.
Variant type: single nucleotide variant.
Coding change: c.2065G>A on transcript NM_012448.4 (MANE Select); coding-DNA position 2065, G replaced by A.
Protein change: p.Glu689Lys; replaces glutamic acid 689 with lysine.
Molecular consequence: missense variant.
Genome position (GRCh38, 1-based): chr17:42,207,570, C>T on the plus strand (G>A on the coding strand, the complement: STAT5B is on the minus strand). VCF-style: chr17-42207570-C-T. GRCh37 (hg19) VCF-style: chr17-40359588-C-T.
Other names: short protein forms E689K.
Identifiers: ClinVar variation 570083 (VCV000570083.10), dbSNP rs778995803, ClinGen allele CA8573915.
Genomic context (GRCh38, chr17:42,207,570, plus strand): 5'-CACACACACACACACAACAAAATCAAATCAGAATGCGAACATTGTTACCAGTAGCAGACT[C>T]GCAGGGAACTGGTGTGTAGTATTTGGAGTATACTTCATCTTTTGGCCGATCAGGAAACAC-3'
Protein context (NP_036580.2, residues 679-699): YSKYYTPVPC[Glu689Lys]SATAKAVDGY

ClinVar aggregate classification (germline): Uncertain significance. Review status: criteria provided, multiple submitters, no conflicts (2 of 4 stars). 2 submissions from 2 submitters: Uncertain significance (2). Last evaluated 2025-03-01.

Conditions:
Growth hormone insensitivity with immune dysregulation 1, autosomal recessive. Also called: Laron syndrome with immunodeficiency; GROWTH HORMONE INSENSITIVITY SYNDROME WITH IMMUNE DYSREGULATION 1, AUTOSOMAL RECESSIVE; GROWTH HORMONE INSENSITIVITY DUE TO POSTRECEPTOR DEFECT; LARON SYNDROME DUE TO POSTRECEPTOR DEFECT. Identifiers: Orphanet 220465, MedGen C5435698, MONDO:0100211, OMIM 245590.

Allele frequency attached by ClinVar (database versions not stated): gnomAD exomes below 0.00001; ExAC 0.00001; gnomAD 0.00001; TOPMed 0.00002.
gnomAD v4.1: 7 of 1,613,816 alleles (0.00043%); highest among the groups gnomAD compares: African/African-American, 0.0027%; no homozygotes.

Submissions (2):

Labcorp Genetics (formerly Invitae), Labcorp
Classification: Uncertain significance for Growth hormone insensitivity with immune dysregulation 1, autosomal recessive. Last evaluated: 2025-03-01. Review status: criteria provided, single submitter. Criteria: Invitae Variant Classification Sherloc (09022015). Collection method: clinical testing. Allele origin: germline.
Comment: This sequence change replaces glutamic acid, which is acidic and polar, with lysine, which is basic and polar, at codon 689 of the STAT5B protein (p.Glu689Lys). This variant is present in population databases (rs778995803, gnomAD 0.004%). This variant has not been reported in the literature in individuals affected with STAT5B-related conditions. ClinVar contains an entry for this variant (Variation ID: 570083). An algorithm developed to predict the effect of missense changes on protein structure and function (PolyPhen-2) suggests that this variant is likely to be tolerated. In summary, the available evidence is currently insufficient to determine the role of this variant in disease. Therefore, it has been classified as a Variant of Uncertain Significance.

Blueprint Genetics
Classification: Uncertain significance. Last evaluated: 2024-11-22. Review status: criteria provided, single submitter. Criteria: ACMG Guidelines, 2015. Collection method: clinical testing. Allele origin: germline.